The following is an entry in ClinVar:

ClinVar aggregate classification (germline): Uncertain significance (1 of 4 stars; one submission).

Allele frequency attached by ClinVar (database versions not stated): gnomAD exomes 0.00001.
gnomAD v4.1: 13 of 1,597,682 alleles (0.00081%); highest among the groups gnomAD compares: South Asian, 0.0022%; no homozygotes.

Submission:

Labcorp Genetics (formerly Invitae), Labcorp
Classification: Uncertain significance. Last evaluated: 2021-04-30. Review status: criteria provided, single submitter. Criteria: Invitae Variant Classification Sherloc (09022015). Collection method: clinical testing. Allele origin: germline.
Comment: This variant has not been reported in the literature in individuals with BMPER-related conditions. This variant is not present in population databases (ExAC no frequency). This sequence change replaces methionine with threonine at codon 36 of the BMPER protein (p.Met36Thr). The methionine residue is weakly conserved and there is a moderate physicochemical difference between methionine and threonine. Algorithms developed to predict the effect of missense changes on protein structure and function (SIFT, PolyPhen-2, Align-GVGD) all suggest that this variant is likely to be tolerated, but these predictions have not been confirmed by published functional studies and their clinical significance is uncertain. In summary, the available evidence is currently insufficient to determine the role of this variant in disease. Therefore, it has been classified as a Variant of Uncertain Significance.

NM_001365308.1(BMPER):c.107T>C (p.Met36Thr)

Gene: BMPER (BMP binding endothelial regulator; plus strand). Cytogenetic location: 7p14.3.
Variant type: single nucleotide variant.
Coding change: c.107T>C on transcript NM_001365308.1 (MANE Select); coding-DNA position 107, T replaced by C.
Protein change: p.Met36Thr; replaces methionine 36 with threonine.
Molecular consequence: missense variant.
Genome position (GRCh38, 1-based): chr7:33,905,720, T>C. VCF-style: chr7-33905720-T-C. GRCh37 (hg19) VCF-style: chr7-33945332-T-C.
Other names: c.107T>C, p.Met36Thr (NM_133468.5); short protein forms M36T.
Identifiers: ClinVar variation 1354399 (VCV001354399.8), dbSNP rs921065737, ClinGen allele CA156790222.
Genomic context (GRCh38, chr7:33,905,720, plus strand): 5'-GCCGCTCGCCTGGGATTACGTGCTGCGTCTTGCTGCTACTCAATTGCTCGGGGGTCCCCA[T>C]GTCTCTGGCTTCCTCCTTCTTGACAGGTAGGGGAGGGGGCGGGAGGGACCGGCCCTCCGG-3'
Protein context (NP_001352237.1, residues 26-46): LLLLNCSGVP[Met36Thr]SLASSFLTGS